The following is an entry in ClinVar:

ClinVar aggregate classification (germline): Uncertain significance (1 of 4 stars; one submission).

Conditions:
Pontocerebellar hypoplasia type 1A (PCH1A). Also called: PONTOCEREBELLAR HYPOPLASIA WITH ANTERIOR HORN CELL DISEASE; PONTOCEREBELLAR HYPOPLASIA WITH INFANTILE SPINAL MUSCULAR ATROPHY. Identifiers: Orphanet 2254, Orphanet 88616, MedGen C1843504, MONDO:0011866, OMIM 607596.

Allele frequency attached by ClinVar (database versions not stated): gnomAD exomes below 0.00001; ExAC 0.00001.
gnomAD v4.1: 1 of 1,613,838 alleles (0.000062%); highest among the groups gnomAD compares: Non-Finnish European, 0.000085%; no homozygotes.

Submission:

Labcorp Genetics (formerly Invitae), Labcorp
Classification: Uncertain significance for Pontocerebellar hypoplasia type 1A. Last evaluated: 2021-08-28. Review status: criteria provided, single submitter. Criteria: Invitae Variant Classification Sherloc (09022015). Collection method: clinical testing. Allele origin: germline.
Comment: This sequence change replaces lysine with glutamic acid at codon 16 of the VRK1 protein (p.Lys16Glu). The lysine residue is highly conserved and there is a small physicochemical difference between lysine and glutamic acid. This variant is present in population databases (rs763034734, ExAC 0.01%). This variant has not been reported in the literature in individuals affected with VRK1-related conditions. Algorithms developed to predict the effect of missense changes on protein structure and function are either unavailable or do not agree on the potential impact of this missense change (SIFT: "Deleterious"; PolyPhen-2: "Benign"; Align-GVGD: "Class C0"). In summary, the available evidence is currently insufficient to determine the role of this variant in disease. Therefore, it has been classified as a Variant of Uncertain Significance.

NM_003384.3(VRK1):c.46A>G (p.Lys16Glu)

Gene: VRK1 (VRK serine/threonine kinase 1; plus strand). Cytogenetic location: 14q32.2.
Variant type: single nucleotide variant.
Coding change: c.46A>G on transcript NM_003384.3 (MANE Select); coding-DNA position 46, A replaced by G.
Protein change: p.Lys16Glu; replaces lysine 16 with glutamic acid.
Molecular consequence: missense variant.
Genome position (GRCh38, 1-based): chr14:96,833,517, A>G. VCF-style: chr14-96833517-A-G. GRCh37 (hg19) VCF-style: chr14-97299854-A-G.
Other names: short protein forms K16E.
Identifiers: ClinVar variation 1478915 (VCV001478915.6), dbSNP rs763034734, ClinGen allele CA7338843.